The following is an entry in ClinVar:

NM_000158.4(GBE1):c.1618+1G>A

Gene: GBE1 (1,4-alpha-glucan branching enzyme 1; minus strand). Cytogenetic location: 3p12.2.
Variant type: single nucleotide variant.
Coding change: c.1618+1G>A on transcript NM_000158.4 (MANE Select); the canonical splice donor site of the intron after coding-DNA position 1618, G replaced by A.
Molecular consequence: splice donor variant.
Genome position (GRCh38, 1-based): chr3:81,577,924, C>T on the plus strand (G>A on the coding strand, the complement: GBE1 is on the minus strand). VCF-style: chr3-81577924-C-T. GRCh37 (hg19) VCF-style: chr3-81627075-C-T.
Identifiers: ClinVar variation 947646 (VCV000947646.11), dbSNP rs1703670302, ClinGen allele CA16602220.

ClinVar aggregate classification (germline): Pathogenic/Likely pathogenic. Review status: criteria provided, multiple submitters, no conflicts (2 of 4 stars). 4 submissions from 4 submitters: Pathogenic (1); Likely pathogenic (3). Last evaluated 2026-01-29.

Conditions:
Glycogen storage disease, type IV (GSD4). Also called: AMYLOPECTINOSIS; ANDERSEN DISEASE; BRANCHER DEFICIENCY; CIRRHOSIS, FAMILIAL, WITH DEPOSITION OF ABNORMAL GLYCOGEN; GBE1 DEFICIENCY; GLYCOGEN BRANCHING ENZYME DEFICIENCY. Identifiers: Orphanet 367, MedGen C0017923, MONDO:0009292, OMIM 232500.
Glycogen storage disease IV, classic hepatic. Also called: GSD IV, CLASSIC HEPATIC. Identifiers: MedGen C1856301.

Allele frequency attached by ClinVar (database versions not stated): gnomAD exomes below 0.00001.
gnomAD v4.1: 5 of 1,588,950 alleles (0.00031%); highest among the groups gnomAD compares: Non-Finnish European, 0.00043%; no homozygotes.

Submissions (4):

Myriad Genetics, Inc.
Classification: Likely pathogenic for Glycogen storage disease, type IV. Last evaluated: 2026-01-29. Review status: criteria provided, single submitter. Criteria: Myriad Autosomal Dominant, Autosomal Recessive and X-Linked Classification Criteria (2023). Collection method: clinical testing. Allele origin: unknown.
Comment: NM_000158.3(GBE1):c.1618+1G>A is a variant in a canonical splice site classified as likely pathogenic in the context of glycogen storage disease, GBE1-related. c.1618+1G>A has been observed in a case with relevant disease (PMID: 31974414 ). Relevant functional assessments of this variant are not available in the literature. c.1618+1G>A has not been observed in referenced population frequency databases. In summary, NM_000158.3(GBE1):c.1618+1G>A is a variant in a canonical splice site in a gene where loss of function is a known mechanism of disease, is predicted to disrupt protein function, and has been observed more frequently in cases with the relevant disease than in healthy populations. Please note: this variant was assessed in the context of healthy population screening.

Natera, Inc.
Classification: Pathogenic for Glycogen storage disease type IV. Last evaluated: 2025-01-08. Review status: criteria provided, single submitter. Criteria: Natera Variant Classification Schema (03/2026). Collection method: clinical testing. Allele origin: germline.
Comment: The c.1618+1G>A variant in GBE1 is a canonical splice donor site variant predicted to affect pre-mRNA splicing, which may result in an abnormal transcript and altered protein product. This variant is expected to result in nonsense mediated decay, truncation, or a dysfunctional protein product. This variant is rare in the general population with a frequency below the threshold expected for the associated phenotype(s). This variant has been observed in one or more individuals affected with the associated recessive disease, as either homozygous or compound heterozygous with a second variant (PMID: 31974414). Additionally, this variant has been observed to segregate in affected family members (PMID: 36690925). Given the available evidence, this variant is classified as Pathogenic.

Baylor Genetics
Classification: Likely pathogenic for Glycogen storage disease, type IV. Last evaluated: 2024-01-28. Review status: criteria provided, single submitter. Criteria: ACMG Guidelines, 2015. Collection method: clinical testing. Allele origin: unknown.

Labcorp Genetics (formerly Invitae), Labcorp
Classification: Likely pathogenic for Glycogen storage disease, type IV; Glycogen storage disease IV, classic hepatic. Last evaluated: 2023-12-30. Review status: criteria provided, single submitter. Criteria: Invitae Variant Classification Sherloc (09022015). Collection method: clinical testing. Allele origin: germline.
Comment: This sequence change affects a donor splice site in intron 12 of the GBE1 gene. It is expected to disrupt RNA splicing. Variants that disrupt the donor or acceptor splice site typically lead to a loss of protein function (PMID: 16199547), and loss-of-function variants in GBE1 are known to be pathogenic (PMID: 15452297, 20058079). This variant is not present in population databases (gnomAD no frequency). Disruption of this splice site has been observed in individual(s) with clinical features of GBE1-related conditions (PMID: 31974414). ClinVar contains an entry for this variant (Variation ID: 947646). Algorithms developed to predict the effect of sequence changes on RNA splicing suggest that this variant may disrupt the consensus splice site. In summary, the currently available evidence indicates that the variant is pathogenic, but additional data are needed to prove that conclusively. Therefore, this variant has been classified as Likely Pathogenic.

Literature cited by the submitters: PubMed 31974414 (cited by 3 submitters); PubMed 36690925 (cited by Natera, Inc.); PubMed 16199547 (cited by Labcorp Genetics (formerly Invitae), Labcorp); PubMed 15452297 (cited by Labcorp Genetics (formerly Invitae), Labcorp); PubMed 20058079 (cited by Labcorp Genetics (formerly Invitae), Labcorp).